The following is an entry in ClinVar:

ClinVar aggregate classification (germline): Uncertain significance (1 of 4 stars; one submission).

Allele frequency attached by ClinVar (database versions not stated): gnomAD exomes below 0.00001.
gnomAD v4.1: 1 of 1,614,132 alleles (0.000062%); highest among the groups gnomAD compares: Non-Finnish European, 0.000085%; no homozygotes.

Submission:

GeneDx
Classification: Uncertain significance. Last evaluated: 2023-03-07. Review status: criteria provided, single submitter. Criteria: GeneDx Variant Classification Process June 2021. Collection method: clinical testing. Allele origin: germline. Affected: yes.
Comment: Not observed at significant frequency in large population cohorts (gnomAD); In silico analysis supports that this missense variant has a deleterious effect on protein structure/function; Has not been previously published as pathogenic or benign to our knowledge

NM_013382.7(POMT2):c.305T>C (p.Phe102Ser)

Gene: POMT2 (protein O-mannosyltransferase 2; minus strand). Cytogenetic location: 14q24.3.
Variant type: single nucleotide variant.
Coding change: c.305T>C on transcript NM_013382.7 (MANE Select); coding-DNA position 305, T replaced by C.
Protein change: p.Phe102Ser; replaces phenylalanine 102 with serine.
Molecular consequence: missense variant.
Genome position (GRCh38, 1-based): chr14:77,311,977, A>G on the plus strand (T>C on the coding strand, the complement: POMT2 is on the minus strand). VCF-style: chr14-77311977-A-G. GRCh37 (hg19) VCF-style: chr14-77778320-A-G.
Other names: short protein forms F102S.
Identifiers: ClinVar variation 2579339 (VCV002579339.1), dbSNP rs2503332871, ClinGen allele CA390502640.